The following is an entry in ClinVar:

NC_000017.10:g.(?_3419731)_(3424353_?)del

Gene: TRPV3 (transient receptor potential cation channel subfamily V member 3; minus strand). Cytogenetic location: 17p13.2.
Variant type: Deletion.
Identifiers: ClinVar variation 3243215 (VCV003243215.1).

ClinVar aggregate classification (germline): Uncertain significance (1 of 4 stars; one submission).

Submission:

Labcorp Genetics (formerly Invitae), Labcorp
Classification: Uncertain significance. Last evaluated: 2023-08-05. Review status: criteria provided, single submitter. Criteria: Invitae Variant Classification Sherloc (09022015). Collection method: clinical testing. Allele origin: unknown.
Comment: This variant has not been reported in the literature in individuals affected with TRPV3-related conditions. This variant is a gross deletion of the genomic region encompassing exon(s) 14-16 of the TRPV3 gene. This deletion is out-of-frame, and is expected to create a premature translational stop signal and result in an absent or disrupted protein product. However, the current clinical and genetic evidence is not sufficient to establish whether loss-of-function variants in TRPV3 cause disease. In summary, the available evidence is currently insufficient to determine the role of this variant in disease. Therefore, it has been classified as a Variant of Uncertain Significance.